The following is an entry in ClinVar:

NM_000492.4(CFTR):c.3289C>A (p.Arg1097Ser)

Genes: CFTR (CF transmembrane conductance regulator; plus strand), CFTR-AS2 (CFTR antisense RNA 2; minus strand), LOC111674472 (DNase I hypersensitive sites in introns 16 and 17a of CFTR; plus strand). Cytogenetic location: 7q31.2.
Variant type: single nucleotide variant.
Coding change: c.3289C>A on transcript NM_000492.4 (MANE Select); coding-DNA position 3289, C replaced by A.
Protein change: p.Arg1097Ser; replaces arginine 1097 with serine.
Molecular consequence: missense variant.
Genome position (GRCh38, 1-based): chr7:117,611,730, C>A. VCF-style: chr7-117611730-C-A. GRCh37 (hg19) VCF-style: chr7-117251784-C-A.
Other names: short protein forms R1097S.
Identifiers: ClinVar variation 3491648 (VCV003491648.1).
Genomic context (GRCh38, chr7:117,611,730, plus strand): 5'-CTGTTCCACAAAGCTCTGAATTTACATACTGCCAACTGGTTCTTGTACCTGTCAACACTG[C>A]GCTGGTTCCAAATGAGAATAGAAATGATTTTTGTCATCTTCTTCATTGCTGTTACCTTCA-3'
Protein context (NP_000483.3, residues 1087-1107): ANWFLYLSTL[Arg1097Ser]WFQMRIEMIF

ClinVar aggregate classification (germline): Uncertain significance (1 of 4 stars; one submission).

Conditions:
Cystic fibrosis (CF). Also called: MUCOVISCIDOSIS. Identifiers: Orphanet 586, MedGen C0010674, MONDO:0009061, OMIM 219700. Disease mechanism: loss of function.

Submission:

Ambry Genetics
Classification: Uncertain significance for Cystic fibrosis. Last evaluated: 2024-08-18. Review status: criteria provided, single submitter. Criteria: Ambry Variant Classification Scheme 2023. Collection method: clinical testing. Allele origin: germline.
Comment: The p.R1097S variant (also known as c.3289C>A), located in coding exon 20 of the CFTR gene, results from a C to A substitution at nucleotide position 3289. The arginine at codon 1097 is replaced by serine, an amino acid with dissimilar properties. This amino acid position is conserved. In addition, this alteration is predicted to be deleterious by in silico analysis. Based on the available evidence, the clinical significance of this variant remains unclear.